The following is an entry in ClinVar:

NM_000426.4(LAMA2):c.4717+4C>G

Gene: LAMA2 (laminin subunit alpha 2; plus strand). Cytogenetic location: 6q22.33.
Variant type: single nucleotide variant.
Coding change: c.4717+4C>G on transcript NM_000426.4 (MANE Select); 4 bases into the intron after coding-DNA position 4717, C replaced by G.
Molecular consequence: intron variant.
Genome position (GRCh38, 1-based): chr6:129,353,361, C>G. VCF-style: chr6-129353361-C-G. GRCh37 (hg19) VCF-style: chr6-129674506-C-G.
Other names: c.4717+4C>G (NM_001079823.2).
Identifiers: ClinVar variation 2190788 (VCV002190788.1), dbSNP rs200898063, ClinGen allele CA3993640.
Genomic context (GRCh38, chr6:129,353,361, plus strand): 5'-GAAGGAAGTGTGACGGCTGCAAGCACTGGCATGCACGCGAGGGCTGGGAGTGTGTTTGTA[C>G]GTATACTAACTTTGCTGTTAGTTTTGGAGGCCTTGATTCCAGTTCTGTCTCATTTCCAAT-3'

ClinVar aggregate classification (germline): Uncertain significance (1 of 4 stars; one submission).

Conditions:
LAMA2-related muscular dystrophy (LAMA2-RD). Also called: Laminin alpha 2-related dystrophy. Identifiers: MedGen C5679788, MONDO:0100228.

gnomAD v4.1: 8 of 1,611,688 alleles (0.0005%); highest among the groups gnomAD compares: African/African-American, 0.011%; no homozygotes.

Submission:

Labcorp Genetics (formerly Invitae), Labcorp
Classification: Uncertain significance for LAMA2-related muscular dystrophy. Last evaluated: 2020-11-25. Review status: criteria provided, single submitter. Criteria: Invitae Variant Classification Sherloc (09022015). Collection method: clinical testing. Allele origin: germline.
Comment: This sequence change falls in intron 32 of the LAMA2 gene. It does not directly change the encoded amino acid sequence of the LAMA2 protein. It affects a nucleotide within the consensus splice site of the intron. This variant is present in population databases (rs200898063, ExAC 0.03%). This variant has not been reported in the literature in individuals with LAMA2-related conditions. Nucleotide substitutions within the consensus splice site are a relatively common cause of aberrant splicing (PMID: 17576681, 9536098). Algorithms developed to predict the effect of sequence changes on RNA splicing suggest that this variant may disrupt the consensus splice site, but this prediction has not been confirmed by published transcriptional studies. In summary, the available evidence is currently insufficient to determine the role of this variant in disease. Therefore, it has been classified as a Variant of Uncertain Significance.

Literature cited by the submitters: PubMed 17576681; PubMed 9536098.